The following is an entry in ClinVar:

NM_173477.5(USH1G):c.770G>T (p.Arg257Leu)

Gene: USH1G (USH1 protein network component sans; minus strand). Cytogenetic location: 17q25.1.
Variant type: single nucleotide variant.
Coding change: c.770G>T on transcript NM_173477.5 (MANE Select); coding-DNA position 770, G replaced by T.
Protein change: p.Arg257Leu; replaces arginine 257 with leucine.
Molecular consequence: missense variant.
Genome position (GRCh38, 1-based): chr17:74,920,066, C>A on the plus strand (G>T on the coding strand, the complement: USH1G is on the minus strand). VCF-style: chr17-74920066-C-A. GRCh37 (hg19) VCF-style: chr17-72916161-C-A.
Other names: c.461G>T, p.Arg154Leu (NM_001282489.3); short protein forms R257L, R154L.
Identifiers: ClinVar variation 48138 (VCV000048138.11), dbSNP rs111033521, ClinGen allele CA142668.
Genomic context (GRCh38, chr17:74,920,066, plus strand): 5'-AGGAACATGTCCCGGAGCGGGGCTCGGCCCCACTCCTTGGGATTGGCGTAGGTGCCCTGG[C>A]GCACGAACATCACGTCGCTGCCCAGCTGCAGGCCCGAGAGCGAGCGGGCGCTCTTGCGCC-3'
Protein context (NP_775748.2, residues 247-267): LQLGSDVMFV[Arg257Leu]QGTYANPKEW

ClinVar aggregate classification (germline): Uncertain significance. Review status: criteria provided, multiple submitters, no conflicts (2 of 4 stars). 2 submissions from 2 submitters: Uncertain significance (2). Last evaluated 2022-07-28.

Submissions (2):

Labcorp Genetics (formerly Invitae), Labcorp
Classification: Uncertain significance. Last evaluated: 2022-07-28. Review status: criteria provided, single submitter. Criteria: Invitae Variant Classification Sherloc (09022015). Collection method: clinical testing. Allele origin: germline.
Comment: In summary, the available evidence is currently insufficient to determine the role of this variant in disease. Therefore, it has been classified as a Variant of Uncertain Significance. Algorithms developed to predict the effect of missense changes on protein structure and function are either unavailable or do not agree on the potential impact of this missense change (SIFT: "Not Available"; PolyPhen-2: "Benign"; Align-GVGD: "Not Available"). ClinVar contains an entry for this variant (Variation ID: 48138). This variant has not been reported in the literature in individuals affected with USH1G-related conditions. This variant is not present in population databases (gnomAD no frequency). This sequence change replaces arginine, which is basic and polar, with leucine, which is neutral and non-polar, at codon 257 of the USH1G protein (p.Arg257Leu).

Laboratory for Molecular Medicine, Mass General Brigham Personalized Medicine
Classification: Uncertain significance. Last evaluated: 2010-01-28. Review status: criteria provided, single submitter. Criteria: LMM Criteria. Collection method: clinical testing. Allele origin: germline. Observed: 2 variant alleles.